The following is an entry in ClinVar:

NM_018941.4(CLN8):c.-122T>G

Gene: CLN8 (CLN8 transmembrane ER and ERGIC protein; plus strand). Cytogenetic location: 8p23.3.
Variant type: single nucleotide variant.
Coding change: c.-122T>G on transcript NM_018941.4 (MANE Select); 122 bases upstream of the start codon, T replaced by G.
Molecular consequence: 5 prime UTR variant.
Genome position (GRCh38, 1-based): chr8:1,770,933, T>G. VCF-style: chr8-1770933-T-G. GRCh37 (hg19) VCF-style: chr8-1719099-T-G.
Identifiers: ClinVar variation 205187 (VCV000205187.1), dbSNP rs796052361, ClinGen allele CA313999.

ClinVar aggregate classification (germline): Likely benign (1 of 4 stars; one submission).

Submission:

GeneDx
Classification: Likely benign. Last evaluated: 2013-04-26. Review status: criteria provided, single submitter. Criteria: GeneDx Variant Classification (06012015). Collection method: clinical testing. Allele origin: germline. Affected: yes.
Comment: This variant is considered likely benign or benign based on one or more of the following criteria: it is a conservative change, it occurs at a poorly conserved position in the protein, it is predicted to be benign by multiple in silico algorithms, and/or has population frequency not consistent with disease.